The following is an entry in ClinVar:

ClinVar aggregate classification (germline): Uncertain significance (1 of 4 stars; one submission).

Submission:

GeneDx
Classification: Uncertain significance. Last evaluated: 2025-12-19. Review status: criteria provided, single submitter. Criteria: GeneDx Variant Classification Process June 2021. Collection method: clinical testing. Allele origin: germline.
Comment: Not observed at significant frequency in large population cohorts (gnomAD); Has not been previously published as pathogenic or benign to our knowledge; In silico analysis suggests this variant may impact gene splicing. In the absence of RNA/functional studies, the actual effect of this sequence change is unknown

NM_005529.7(HSPG2):c.354+5G>A

Gene: HSPG2 (heparan sulfate proteoglycan 2; minus strand). Cytogenetic location: 1p36.12.
Variant type: single nucleotide variant.
Coding change: c.354+5G>A on transcript NM_005529.7 (MANE Select); 5 bases into the intron after coding-DNA position 354, G replaced by A.
Molecular consequence: intron variant.
Genome position (GRCh38, 1-based): chr1:21,890,580, C>T on the plus strand (G>A on the coding strand, the complement: HSPG2 is on the minus strand). VCF-style: chr1-21890580-C-T. GRCh37 (hg19) VCF-style: chr1-22217073-C-T.
Other names: c.354+5G>A (NM_001291860.2).
Identifiers: ClinVar variation 3603247 (VCV003603247.2).